The following is an entry in ClinVar:

ClinVar aggregate classification (germline): Conflicting classifications of pathogenicity. Review status: criteria provided, conflicting classifications (1 of 4 stars). 3 submissions from 3 submitters: Uncertain significance (1); Likely benign (1). 1 of the submissions does not count toward it. Last evaluated 2024-10-01.

Conditions:
MR1-related disorder.
Immunodeficiency. Identifiers: MedGen C0021051, MONDO:0021094, HP:0002721.

Allele frequency attached by ClinVar (database versions not stated): 1000 Genomes Project 30x 0.00234; 1000 Genomes Project 0.00240; TOPMed 0.00705; gnomAD 0.00749 and 0.00763; gnomAD exomes 0.00750 and 0.01108; ExAC 0.00771; ESP Exome Variant Server 0.00954.
gnomAD v4.1: 17,137 of 1,613,946 alleles (1.1%); highest among the groups gnomAD compares: Non-Finnish European, 1.3%; 119 homozygotes.

Submissions (3):

CeGaT Center for Human Genetics Tuebingen
Classification: Likely benign. Last evaluated: 2024-10-01. Review status: criteria provided, single submitter. Criteria: CeGaT Center For Human Genetics Tuebingen Variant Classification Criteria Version 2. Collection method: clinical testing. Allele origin: germline. Affected: yes. Observed: 1 variant allele.
Comment: MR1: BP4, BS2

Department of Pathology and Laboratory Medicine, Sinai Health System
Classification: Uncertain significance for MR1-related disorder. Last evaluated: 2022-10-10. Review status: criteria provided, single submitter. Criteria: ACMG Guidelines, 2015. Collection method: research. Allele origin: germline.

Rossjohn lab, Monash University
Classification: Pathogenic for immunodeficiency. Review status: no assertion criteria provided. Collection method: research, in vitro. Allele origin: inherited, not applicable. Inheritance: Autosomal recessive inheritance. Affected: yes. Observed: 1 variant allele, 1 homozygote. Functional consequence: variation affecting protein function. Not counted in ClinVar's aggregate classification.
Comment: The R31H variant in MR1 has been reported in 1 family with autosomal recessive inheritance of mild primary immunodeficiency characterised by persistent HPV warts as well as difficult to treat bacterial and viral infections. Protein structure and function studies of this variant shows disruption of antigen binding, preventing antigen presentation via MR1. This disrupts the development/maintenance of mucosal-associated invariant T (MAIT) cells. Thus we consider this variant is pathogenic but requires characterisation of more individuals with this variant to confirm penetrance of clinical symptoms.

Literature cited by the submitters: DOI 10.1126/sciimmunol.abc9492 (cited by Rossjohn lab, Monash University).

NM_001385161.1(MR1):c.92G>A (p.Arg31His)

Gene: MR1 (major histocompatibility complex, class I-related; plus strand). Cytogenetic location: 1q25.3.
Variant type: single nucleotide variant.
Coding change: c.92G>A on transcript NM_001385161.1 (MANE Select); coding-DNA position 92, G replaced by A.
Protein change: p.Arg31His; replaces arginine 31 with histidine.
Molecular consequence: missense variant. On other transcripts: 5 prime UTR variant (1).
Genome position (GRCh38, 1-based): chr1:181,049,076, G>A. VCF-style: chr1-181049076-G-A. GRCh37 (hg19) VCF-style: chr1-181018212-G-A.
Other names: c.92G>A, p.Arg31His (NM_001194999.2, NM_001195000.2, NM_001195035.2 and 4 more transcripts); c.-122G>A (NM_001310213.2); short protein forms R31H.
Identifiers: ClinVar variation 996147 (VCV000996147.19), dbSNP rs41268456, ClinGen allele CA1274247.
Genomic context (GRCh38, chr1:181,049,076, plus strand): 5'-GACCCTACATGTCTTCCTTCTTTGCCTCCTTTCCAGGGACGCACTCTCTGAGATATTTTC[G>A]CCTGGGCGTTTCGGATCCCATCCATGGGGTCCCTGAATTTATTTCGGTTGGGTACGTGGA-3'
Protein context (NP_001372090.1, residues 21-41): DSRTHSLRYF[Arg31His]LGVSDPIHGV